The following is an entry in ClinVar:

NM_001083116.3(PRF1):c.921del (p.His308fs)

Gene: PRF1 (perforin 1; minus strand). Cytogenetic location: 10q22.1.
Variant type: Deletion.
Coding change: c.921del on transcript NM_001083116.3 (MANE Select); coding-DNA position 921, one base deleted (T; older notation c.921delT).
Protein change: p.His308fs; shifts the reading frame from histidine 308.
Molecular consequence: frameshift variant.
Genome position (GRCh38, 1-based): chr10:70,598,800, A deleted on the plus strand (T on the coding strand, the reverse complement: PRF1 is on the minus strand). VCF-style (leftmost placement, unchanged base first): chr10-70598799-GA-G. GRCh37 (hg19) VCF-style: chr10-72358555-GA-G.
Other names: c.921del, p.His308fs (NM_005041.6); c.921delT (NM_001083116.3); short protein forms H308fs.
Identifiers: ClinVar variation 973565 (VCV000973565.7), dbSNP rs777345151, ClinGen allele CA5538883.

ClinVar aggregate classification (germline): Pathogenic/Likely pathogenic. Review status: criteria provided, multiple submitters, no conflicts (2 of 4 stars). 6 submissions from 6 submitters: Pathogenic (4); Likely pathogenic (2). Last evaluated 2025-10-16.

Conditions:
Aplastic anemia. Identifiers: Orphanet 182040, Orphanet 88, MedGen C0002874, MONDO:0015909, OMIM 609135, HP:0001915.
Familial hemophagocytic lymphohistiocytosis 2 (FHL2). Also called: PRF1-Related Familial Hemophagocytic Lymphohistiocytosis (PRF1-fHLH). Identifiers: Orphanet 540, MedGen C1863727, MONDO:0011337, OMIM 603553.

Allele frequency attached by ClinVar (database versions not stated): gnomAD 0.00001; gnomAD exomes 0.00001 and 0.00002; ExAC 0.00004.

Submissions (6):

Myriad Genetics, Inc.
Classification: Pathogenic for Familial hemophagocytic lymphohistiocytosis 2. Last evaluated: 2025-10-16. Review status: criteria provided, single submitter. Criteria: Myriad Autosomal Dominant, Autosomal Recessive and X-Linked Classification Criteria (2023). Collection method: clinical testing. Allele origin: unknown.
Comment: NM_001083116.1(PRF1):c.921delT(H308Tfs*22) is a frameshift variant classified as pathogenic in the context of familial hemophagocytic lymphohistiocytosis, PRF1-related. H308Tfs*22 has been observed in cases with relevant disease (PMID: 32542393, 33746956). Relevant functional assessments of this variant are not available in the literature. H308Tfs*22 has been observed in referenced population frequency databases. In summary, NM_001083116.1(PRF1):c.921delT(H308Tfs*22) is a frameshift variant in a gene where loss of function is a known mechanism of disease, is predicted to disrupt protein function, and has been observed more frequently in cases with the relevant disease than in healthy populations. Please note: this variant was assessed in the context of healthy population screening.

GeneDx
Classification: Likely pathogenic. Last evaluated: 2024-08-20. Review status: criteria provided, single submitter. Criteria: GeneDx Variant Classification Process June 2021. Collection method: clinical testing. Allele origin: germline. Affected: yes.
Comment: Frameshift variant predicted to result in abnormal protein length as the last 248 amino acids are replaced with 21 different amino acids, and other similar variants have been reported in HGMD; This variant is associated with the following publications: (PMID: 32542393, 33746956, 33083013)

Baylor Genetics
Classification: Pathogenic for Aplastic anemia. Last evaluated: 2023-11-13. Review status: criteria provided, single submitter. Criteria: ACMG Guidelines, 2015. Collection method: clinical testing. Allele origin: unknown.

Labcorp Genetics (formerly Invitae), Labcorp
Classification: Pathogenic for Familial hemophagocytic lymphohistiocytosis 2. Last evaluated: 2023-10-04. Review status: criteria provided, single submitter. Criteria: Invitae Variant Classification Sherloc (09022015). Collection method: clinical testing. Allele origin: germline.
Comment: This sequence change creates a premature translational stop signal (p.His308Thrfs*22) in the PRF1 gene. While this is not anticipated to result in nonsense mediated decay, it is expected to disrupt the last 248 amino acid(s) of the PRF1 protein. This variant is present in population databases (rs777345151, gnomAD 0.02%). This premature translational stop signal has been observed in individual(s) with hemophagocytic lymphohistiocytosis (PMID: 32542393, 33746956). ClinVar contains an entry for this variant (Variation ID: 973565). This variant disrupts a region of the PRF1 protein in which other variant(s) (p.Asp491Asn) have been determined to be pathogenic (PMID: 24390453, 25577959, 33746956). This suggests that this is a clinically significant region of the protein, and that variants that disrupt it are likely to be disease-causing. For these reasons, this variant has been classified as Pathogenic.

Genomic Medicine Lab, University of California San Francisco
Classification: Pathogenic for Familial hemophagocytic lymphohistiocytosis 2. Last evaluated: 2023-06-15. Review status: criteria provided, single submitter. Criteria: ACMG Guidelines, 2015. Collection method: clinical testing. Allele origin: biparental. Affected: no.

CENTOGENE GmbH and LLC - Guiding Precision Medicine
Classification: Likely pathogenic for Familial hemophagocytic lymphohistiocytosis type 2. Review status: criteria provided, single submitter. Criteria: ACMG Guidelines, 2015. Collection method: clinical testing. Allele origin: germline. Affected: yes.

Literature cited by the submitters: PubMed 32542393 (cited by Myriad Genetics, Inc. and Labcorp Genetics (formerly Invitae), Labcorp); PubMed 33746956 (cited by Myriad Genetics, Inc. and Labcorp Genetics (formerly Invitae), Labcorp); PubMed 24390453 (cited by Labcorp Genetics (formerly Invitae), Labcorp); PubMed 25577959 (cited by Labcorp Genetics (formerly Invitae), Labcorp).